The following is an entry in ClinVar:

ClinVar aggregate classification (germline): Uncertain significance (1 of 4 stars; one submission).

Conditions:
Tuberous sclerosis 2 (TSC2). Identifiers: Orphanet 805, MedGen C1860707, MONDO:0013199, OMIM 613254.

Submission:

Labcorp Genetics (formerly Invitae), Labcorp
Classification: Uncertain significance for Tuberous sclerosis 2. Last evaluated: 2021-02-04. Review status: criteria provided, single submitter. Criteria: Invitae Variant Classification Sherloc (09022015). Collection method: clinical testing. Allele origin: germline.
Comment: In summary, the available evidence is currently insufficient to determine the role of this variant in disease. Therefore, it has been classified as a Variant of Uncertain Significance. Advanced modeling of protein sequence and biophysical properties (such as structural, functional, and spatial information, amino acid conservation, physicochemical variation, residue mobility, and thermodynamic stability) performed at Invitae indicates that this missense variant is not expected to disrupt TSC2 protein function. This variant has not been reported in the literature in individuals with TSC2-related conditions. This variant is not present in population databases (ExAC no frequency). This sequence change replaces leucine with valine at codon 291 of the TSC2 protein (p.Leu291Val). The leucine residue is highly conserved and there is a small physicochemical difference between leucine and valine.

NM_000548.5(TSC2):c.871C>G (p.Leu291Val)

Gene: TSC2 (TSC complex subunit 2; plus strand). Cytogenetic location: 16p13.3.
Variant type: single nucleotide variant.
Coding change: c.871C>G on transcript NM_000548.5 (MANE Select); coding-DNA position 871, C replaced by G.
Protein change: p.Leu291Val; replaces leucine 291 with valine.
Molecular consequence: missense variant.
Genome position (GRCh38, 1-based): chr16:2,058,769, C>G. VCF-style: chr16-2058769-C-G. GRCh37 (hg19) VCF-style: chr16-2108770-C-G.
Other names: c.871C>G, p.Leu291Val (NM_001077183.3, NM_001114382.3, NM_001363528.2 and 3 more transcripts); c.760C>G, p.Leu254Val (NM_001318827.2); c.724C>G, p.Leu242Val (NM_001318829.2); c.271C>G, p.Leu91Val (NM_001318831.2); c.904C>G, p.Leu302Val (NM_001318832.2); short protein forms L242V, L302V, L254V, L291V, L91V.
Identifiers: ClinVar variation 1521514 (VCV001521514.8), dbSNP rs45517137, ClinGen allele CA394315051.